The following is an entry in ClinVar:

NM_002855.5(NECTIN1):c.635G>A (p.Arg212His)

Gene: NECTIN1 (nectin cell adhesion molecule 1; minus strand). Cytogenetic location: 11q23.3.
Variant type: single nucleotide variant.
Coding change: c.635G>A on transcript NM_002855.5 (MANE Select); coding-DNA position 635, G replaced by A.
Protein change: p.Arg212His; replaces arginine 212 with histidine.
Molecular consequence: missense variant.
Genome position (GRCh38, 1-based): chr11:119,677,653, C>T on the plus strand (G>A on the coding strand, the complement: NECTIN1 is on the minus strand). VCF-style: chr11-119677653-C-T. GRCh37 (hg19) VCF-style: chr11-119548363-C-T.
Other names: c.635G>A, p.Arg212His (NM_203285.2, NM_203286.2); short protein forms R212H.
Identifiers: ClinVar variation 880238 (VCV000880238.21), dbSNP rs142930935, ClinGen allele CA6322039.
Genomic context (GRCh38, chr11:119,677,653, plus strand): 5'-ATGTGGTAGTTGACGATGCAGGCCAAGGACTGCTGGTGGGCTTCCCTGCTGGGCACCAGG[C>T]GGTAGCGGCTGATGACCGTCACTGTGCCATTGGGGTTCCGGATCTCCTGGTACTCTGCCT-3'
Protein context (NP_002846.3, residues 202-222): NGTVTVISRY[Arg212His]LVPSREAHQQ

ClinVar aggregate classification (germline): Conflicting classifications of pathogenicity. Review status: criteria provided, conflicting classifications (1 of 4 stars). 3 submissions from 3 submitters: Uncertain significance (1); Likely benign (2). Last evaluated 2025-11-04.

Conditions:
Cleft lip/palate-ectodermal dysplasia syndrome (CLPED1). Also called: ECTODERMAL DYSPLASIA, CLEFT LIP AND PALATE, MENTAL RETARDATION, AND SYNDACTYLY; ECTODERMAL DYSPLASIA, MARGARITA ISLAND TYPE; ECTODERMAL DYSPLASIA, TYPE 4; ZLOTOGORA-OGUR SYNDROME; Zlotogora syndrome. Identifiers: Orphanet 3253, MedGen C2931488, MONDO:0009151, OMIM 225060.

Allele frequency attached by ClinVar (database versions not stated): ExAC 0.00063; ESP Exome Variant Server 0.00085; gnomAD 0.00155 and 0.00157; TOPMed 0.00172; 1000 Genomes Project 0.00300; 1000 Genomes Project 30x 0.00312.
gnomAD v4.1: 695 of 1,614,028 alleles (0.043%); highest among the groups gnomAD compares: African/African-American, 0.51%; 2 homozygotes.

Submissions (3):

Labcorp Genetics (formerly Invitae), Labcorp
Classification: Likely benign. Last evaluated: 2025-11-04. Review status: criteria provided, single submitter. Criteria: Invitae Variant Classification Sherloc (09022015). Collection method: clinical testing. Allele origin: germline.

CeGaT Center for Human Genetics Tuebingen
Classification: Likely benign. Last evaluated: 2025-08-01. Review status: criteria provided, single submitter. Criteria: CeGaT Center For Human Genetics Tuebingen Variant Classification Criteria Version 2. Collection method: clinical testing. Allele origin: germline. Affected: yes. Observed: 1 variant allele.
Comment: NECTIN1: BP4

Illumina Laboratory Services, Illumina
Classification: Uncertain significance for Cleft lip/palate-ectodermal dysplasia syndrome. Last evaluated: 2017-04-27. Review status: criteria provided, single submitter. Criteria: ICSL Variant Classification Criteria 13 December 2019. Collection method: clinical testing. Allele origin: germline.
Comment: This variant was observed as part of a predisposition screen in an ostensibly healthy population. A literature search was performed for the gene, cDNA change, and amino acid change (where applicable). Publications were found based on this search. However, the evidence from the literature, in combination with allele frequency data from public databases where available, was not sufficient to rule this variant in or out of causing disease. Therefore, this variant is classified as a variant of unknown significance.

Literature cited by the submitters: PubMed 16674562 (cited by Illumina Laboratory Services, Illumina).